The following is an entry in ClinVar:

ClinVar aggregate classification (germline): Likely pathogenic. Review status: criteria provided, multiple submitters, no conflicts (2 of 4 stars). 2 submissions from 2 submitters: Likely pathogenic (2). Last evaluated 2024-03-28.

Conditions:
Peroxisome biogenesis disorder 9B. Also called: PEX7-Related Refsum Disease; PEROXISOME BIOGENESIS DISORDER, PEX7-RELATED, ATYPICAL; Refsum disease, adult, 2. Identifiers: Orphanet 773, MedGen C2749346, MONDO:0013945, OMIM 614879.
Rhizomelic chondrodysplasia punctata (RCDP). Identifiers: Orphanet 177, MedGen C0282529, MONDO:0015776. Disease mechanism: loss of function.

Allele frequency attached by ClinVar (database versions not stated): TOPMed below 0.00001.

Submissions (2):

Natera, Inc.
Classification: Likely pathogenic for Rhizomelic Chondrodysplasia Punctata. Last evaluated: 2024-03-28. Review status: criteria provided, single submitter. Criteria: Natera Variant Classification Schema (03/2026). Collection method: clinical testing. Allele origin: germline.
Comment: The c.257G>A variant in PEX7 is a missense variant predicted to cause substitution of cysteine to tyrosine at amino acid 86. This variant is rare in the general population with a frequency below the threshold expected for the associated phenotype(s). This variant has been observed in one or more individuals affected with the associated recessive disease, as either homozygous or compound heterozygous with a second variant (PMID: 23572185, 23462609). Computational prediction algorithms indicate this variant is likely to affect gene or protein function. Given the available evidence, this variant is classified as Likely Pathogenic.

Labcorp Genetics (formerly Invitae), Labcorp
Classification: Likely pathogenic for Peroxisome biogenesis disorder 9B. Last evaluated: 2023-12-13. Review status: criteria provided, single submitter. Criteria: Invitae Variant Classification Sherloc (09022015). Collection method: clinical testing. Allele origin: germline.
Comment: This sequence change replaces cysteine, which is neutral and slightly polar, with tyrosine, which is neutral and polar, at codon 86 of the PEX7 protein (p.Cys86Tyr). This variant is not present in population databases (gnomAD no frequency). This missense change has been observed in individuals with rhizomelic chondrodysplasia punctata (PMID: 11781871, 23462609, 23572185). ClinVar contains an entry for this variant (Variation ID: 1488298). An algorithm developed to predict the effect of missense changes on protein structure and function (PolyPhen-2) suggests that this variant is likely to be disruptive. Experimental studies have shown that this missense change affects PEX7 function (PMID: 23462609). In summary, the currently available evidence indicates that the variant is pathogenic, but additional data are needed to prove that conclusively. Therefore, this variant has been classified as Likely Pathogenic.

Literature cited by the submitters: PubMed 23572185 (cited by Natera, Inc. and Labcorp Genetics (formerly Invitae), Labcorp); PubMed 23462609 (cited by Natera, Inc. and Labcorp Genetics (formerly Invitae), Labcorp); PubMed 11781871 (cited by Labcorp Genetics (formerly Invitae), Labcorp).

NM_000288.4(PEX7):c.257G>A (p.Cys86Tyr)

Gene: PEX7 (peroxisomal biogenesis factor 7; plus strand). Cytogenetic location: 6q23.3.
Variant type: single nucleotide variant.
Coding change: c.257G>A on transcript NM_000288.4 (MANE Select); coding-DNA position 257, G replaced by A.
Protein change: p.Cys86Tyr; replaces cysteine 86 with tyrosine.
Molecular consequence: missense variant.
Genome position (GRCh38, 1-based): chr6:136,826,387, G>A. VCF-style: chr6-136826387-G-A. GRCh37 (hg19) VCF-style: chr6-137147525-G-A.
Other names: c.257G>A (NM_000288.3); short protein forms C86Y.
Identifiers: ClinVar variation 1488298 (VCV001488298.9), dbSNP rs61753240, ClinGen allele CA365855863.